The following is an entry in ClinVar:

NM_000541.5(SAG):c.535C>T (p.Arg179Cys)

Gene: SAG (S-antigen visual arrestin; plus strand). Cytogenetic location: 2q37.1.
Variant type: single nucleotide variant.
Coding change: c.535C>T on transcript NM_000541.5 (MANE Select); coding-DNA position 535, C replaced by T.
Protein change: p.Arg179Cys; replaces arginine 179 with cysteine.
Molecular consequence: missense variant.
Genome position (GRCh38, 1-based): chr2:233,328,500, C>T. VCF-style: chr2-233328500-C-T. GRCh37 (hg19) VCF-style: chr2-234237146-C-T.
Other names: c.535C>T (NM_000541.4); short protein forms R179C.
Identifiers: ClinVar variation 1388045 (VCV001388045.11), dbSNP rs200391504, ClinGen allele CA2174433.

ClinVar aggregate classification (germline): Uncertain significance. Review status: criteria provided, multiple submitters, no conflicts (2 of 4 stars). 4 submissions from 4 submitters: Uncertain significance (4). Last evaluated 2026-02-13.

Conditions:
Inborn genetic diseases. Identifiers: MedGen C0950123, MeSH D030342.
SAG-related disorder. Also called: SAG-related condition; SAG-related disorders.

Allele frequency attached by ClinVar (database versions not stated): gnomAD 0.00001; gnomAD exomes 0.00002 and 0.00004; ExAC 0.00007; 1000 Genomes Project 30x 0.00016; 1000 Genomes Project 0.00020.

Submissions (4):

PreventionGenetics, part of Exact Sciences
Classification: Uncertain significance for SAG-related condition. Last evaluated: 2026-02-13. Review status: criteria provided, single submitter. Criteria: ACMG Guidelines, 2015. Collection method: clinical testing. Allele origin: germline.
Comment: The SAG c.535C>T variant is predicted to result in the amino acid substitution p.Arg179Cys. To our knowledge, this variant has not been reported in the literature. This variant is reported in 0.013% of alleles in individuals of South Asian descent in gnomAD. At this time, the clinical significance of this variant is uncertain due to the absence of conclusive functional and genetic evidence.

Ambry Genetics
Classification: Uncertain significance for Inborn genetic diseases. Last evaluated: 2025-11-19. Review status: criteria provided, single submitter. Criteria: Ambry Variant Classification Scheme 2023. Collection method: clinical testing. Allele origin: germline.

Labcorp Genetics (formerly Invitae), Labcorp
Classification: Uncertain significance. Last evaluated: 2023-01-13. Review status: criteria provided, single submitter. Criteria: Invitae Variant Classification Sherloc (09022015). Collection method: clinical testing. Allele origin: germline.
Comment: This sequence change replaces arginine, which is basic and polar, with cysteine, which is neutral and slightly polar, at codon 179 of the SAG protein (p.Arg179Cys). This variant is present in population databases (rs200391504, gnomAD 0.02%). This missense change has been observed in individual(s) with clinical features of retinitis pigmentosa (Invitae). ClinVar contains an entry for this variant (Variation ID: 1388045). Advanced modeling of protein sequence and biophysical properties (such as structural, functional, and spatial information, amino acid conservation, physicochemical variation, residue mobility, and thermodynamic stability) performed at Invitae indicates that this missense variant is expected to disrupt SAG protein function. In summary, the available evidence is currently insufficient to determine the role of this variant in disease. Therefore, it has been classified as a Variant of Uncertain Significance.

Blueprint Genetics
Classification: Uncertain significance. Last evaluated: 2019-10-08. Review status: criteria provided, single submitter. Criteria: ACMG Guidelines, 2015. Collection method: clinical testing. Allele origin: germline.